The following is an entry in ClinVar:

ClinVar aggregate classification (germline): Uncertain significance (1 of 4 stars; one submission).

Conditions:
Pityriasis rubra pilaris (PRP). Also called: Pityriasis rubra pilaris--familial type. Identifiers: Orphanet 2897, MedGen C0032027, MONDO:0100017, OMIM 173200, MONDO:0008251.
Psoriasis 2. Identifiers: MedGen C1864497, MONDO:0011269, OMIM 602723.

Allele frequency attached by ClinVar (database versions not stated): 1000 Genomes Project 30x 0.00016.
gnomAD v4.1: 2 of 1,586,180 alleles (0.00013%); highest among the groups gnomAD compares: South Asian, 0.0023%; no homozygotes.

Submission:

Labcorp Genetics (formerly Invitae), Labcorp
Classification: Uncertain significance for Pityriasis rubra pilaris; Psoriasis 2. Last evaluated: 2024-12-19. Review status: criteria provided, single submitter. Criteria: Invitae Variant Classification Sherloc (09022015). Collection method: clinical testing. Allele origin: germline.
Comment: This sequence change replaces arginine, which is basic and polar, with glycine, which is neutral and non-polar, at codon 166 of the CARD14 protein (p.Arg166Gly). The frequency data for this variant in the population databases is considered unreliable, as metrics indicate poor data quality at this position in the gnomAD database. This variant has not been reported in the literature in individuals affected with CARD14-related conditions. ClinVar contains an entry for this variant (Variation ID: 648607). Invitae Evidence Modeling of protein sequence and biophysical properties (such as structural, functional, and spatial information, amino acid conservation, physicochemical variation, residue mobility, and thermodynamic stability) indicates that this missense variant is not expected to disrupt CARD14 protein function with a negative predictive value of 95%. In summary, the available evidence is currently insufficient to determine the role of this variant in disease. Therefore, it has been classified as a Variant of Uncertain Significance.

NM_001366385.1(CARD14):c.496C>G (p.Arg166Gly)

Gene: CARD14 (caspase recruitment domain family member 14; plus strand). Cytogenetic location: 17q25.3.
Variant type: single nucleotide variant.
Coding change: c.496C>G on transcript NM_001366385.1 (MANE Select); coding-DNA position 496, C replaced by G.
Protein change: p.Arg166Gly; replaces arginine 166 with glycine.
Molecular consequence: missense variant. On other transcripts: non-coding transcript variant (1).
Genome position (GRCh38, 1-based): chr17:80,184,059, C>G. VCF-style: chr17-80184059-C-G. GRCh37 (hg19) VCF-style: chr17-78157858-C-G.
Other names: c.496C>G, p.Arg166Gly (NM_024110.4, NM_001257970.1); short protein forms R166G.
Identifiers: ClinVar variation 648607 (VCV000648607.9), dbSNP rs751727290, ClinGen allele CA8816438.